The following is an entry in ClinVar:

NM_001375380.1(EBF3):c.151C>T (p.Arg51Trp)

Gene: EBF3 (EBF transcription factor 3; minus strand). Cytogenetic location: 10q26.3.
Variant type: single nucleotide variant.
Coding change: c.151C>T on transcript NM_001375380.1 (MANE Select); coding-DNA position 151, C replaced by T.
Protein change: p.Arg51Trp; replaces arginine 51 with tryptophan.
Molecular consequence: missense variant.
Genome position (GRCh38, 1-based): chr10:129,963,507, G>A on the plus strand (C>T on the coding strand, the complement: EBF3 is on the minus strand). VCF-style: chr10-129963507-G-A. GRCh37 (hg19) VCF-style: chr10-131761771-G-A.
Other names: c.151C>T, p.Arg51Trp (NM_001005463.3, NM_001375379.1, NM_001375389.1 and 3 more transcripts); short protein forms R51W.
Identifiers: ClinVar variation 3383441 (VCV003383441.1).

ClinVar aggregate classification (germline): Uncertain significance (1 of 4 stars; one submission).

Submission:

GeneDx
Classification: Uncertain significance. Last evaluated: 2024-05-28. Review status: criteria provided, single submitter. Criteria: GeneDx Variant Classification Process June 2021. Collection method: clinical testing. Allele origin: germline. Affected: yes.
Comment: Not observed at significant frequency in large population cohorts (gnomAD); In silico analysis supports that this missense variant has a deleterious effect on protein structure/function; Has not been previously published as pathogenic or benign to our knowledge